The following is an entry in ClinVar:

ClinVar aggregate classification (germline): Uncertain significance (1 of 4 stars; one submission).

Allele frequency attached by ClinVar (database versions not stated): gnomAD exomes 0.00001 and 0.00003; ExAC 0.00004; gnomAD 0.00009; TOPMed 0.00009; ESP Exome Variant Server 0.00015; 1000 Genomes Project 30x 0.00016; 1000 Genomes Project 0.00020.

Submission:

Labcorp Genetics (formerly Invitae), Labcorp
Classification: Uncertain significance. Last evaluated: 2022-05-11. Review status: criteria provided, single submitter. Criteria: Invitae Variant Classification Sherloc (09022015). Collection method: clinical testing. Allele origin: germline.
Comment: In summary, the available evidence is currently insufficient to determine the role of this variant in disease. Therefore, it has been classified as a Variant of Uncertain Significance. Algorithms developed to predict the effect of missense changes on protein structure and function are either unavailable or do not agree on the potential impact of this missense change (SIFT: "Not Available"; PolyPhen-2: "Benign"; Align-GVGD: "Not Available"). This variant has not been reported in the literature in individuals affected with GNMT-related conditions. This variant is present in population databases (rs146275920, gnomAD 0.03%). This sequence change replaces aspartic acid, which is acidic and polar, with asparagine, which is neutral and polar, at codon 152 of the GNMT protein (p.Asp152Asn).

NM_018960.6(GNMT):c.454G>A (p.Asp152Asn)

Genes: CNPY3-GNMT (CNPY3-GNMT readthrough; plus strand), GNMT (glycine N-methyltransferase; plus strand). Cytogenetic location: 6p21.1.
Variant type: single nucleotide variant.
Coding change: c.454G>A on transcript NM_018960.6 (MANE Select); coding-DNA position 454, G replaced by A.
Protein change: p.Asp152Asn; replaces aspartic acid 152 with asparagine.
Molecular consequence: missense variant. On other transcripts: intron variant (2).
Genome position (GRCh38, 1-based): chr6:42,963,074, G>A. VCF-style: chr6-42963074-G-A. GRCh37 (hg19) VCF-style: chr6-42930812-G-A.
Other names: c.256G>A, p.Asp86Asn (NM_001318856.2); c.271G>A, p.Asp91Asn (NM_001318857.2); c.269-106G>A (NM_001318858.2); c.452-55G>A (NM_001318865.2); short protein forms D152N, D86N, D91N.
Identifiers: ClinVar variation 1512202 (VCV001512202.8), dbSNP rs146275920, ClinGen allele CA3810704.